The following is an entry in ClinVar:

NM_000424.4(KRT5):c.1406C>G (p.Thr469Ser)

Genes: KRT5 (keratin 5; minus strand), LOC126861525 (BRD4-independent group 4 enhancer GRCh37_chr12:52909857-52911056; plus strand). Cytogenetic location: 12q13.13.
Variant type: single nucleotide variant.
Coding change: c.1406C>G on transcript NM_000424.4 (MANE Select); coding-DNA position 1406, C replaced by G.
Protein change: p.Thr469Ser; replaces threonine 469 with serine.
Molecular consequence: missense variant.
Genome position (GRCh38, 1-based): chr12:52,516,670, G>C on the plus strand (C>G on the coding strand, the complement: KRT5 is on the minus strand). VCF-style: chr12-52516670-G-C. GRCh37 (hg19) VCF-style: chr12-52910454-G-C.
Other names: short protein forms T469S.
Identifiers: ClinVar variation 1047992 (VCV001047992.4), dbSNP rs1264710617, ClinGen allele CA384923528.

ClinVar aggregate classification (germline): Conflicting classifications of pathogenicity. Review status: criteria provided, conflicting classifications (1 of 4 stars). 2 submissions from 2 submitters: Pathogenic (1); Uncertain significance (1). Last evaluated 2022-12-05.

Conditions:
Epidermolysis bullosa simplex. Also called: Epidermolysis bullosa simplex, Weber-Cockayne type (subtype); Epidermolysis bullosa simplex, Dowling-Meara type (subtype); Epidermolysis bullosa simplex with mottled pigmentation (subtype). Identifiers: Orphanet 304, MedGen C0079298, MONDO:0017610.

Allele frequency attached by ClinVar (database versions not stated): gnomAD 0.00001; TOPMed 0.00001.
gnomAD v4.1: 3 of 1,614,056 alleles (0.00019%); highest among the groups gnomAD compares: Non-Finnish European, 0.00025%; no homozygotes.

Submissions (2):

Labcorp Genetics (formerly Invitae), Labcorp
Classification: Uncertain significance. Last evaluated: 2022-12-05. Review status: criteria provided, single submitter. Criteria: Invitae Variant Classification Sherloc (09022015). Collection method: clinical testing. Allele origin: germline.
Comment: This sequence change replaces threonine, which is neutral and polar, with serine, which is neutral and polar, at codon 469 of the KRT5 protein (p.Thr469Ser). This variant is not present in population databases (gnomAD no frequency). This missense change has been observed in individual(s) with epidermolysis bullosa simplex (PMID: 31001817). ClinVar contains an entry for this variant (Variation ID: 1047992). Advanced modeling of protein sequence and biophysical properties (such as structural, functional, and spatial information, amino acid conservation, physicochemical variation, residue mobility, and thermodynamic stability) performed at Invitae indicates that this missense variant is expected to disrupt KRT5 protein function. This variant disrupts the p.Thr469 amino acid residue in KRT5. Other variant(s) that disrupt this residue have been observed in individuals with KRT5-related conditions (PMID: 16786515), which suggests that this may be a clinically significant amino acid residue. In summary, the available evidence is currently insufficient to determine the role of this variant in disease. Therefore, it has been classified as a Variant of Uncertain Significance.

Biomedical Innovation Departament, CIEMAT
Classification: Pathogenic for Simplex epidermolysis bullosa. Last evaluated: 2010-12-07. Review status: criteria provided, single submitter. Criteria: ACMG Guidelines, 2015. Collection method: research. Allele origin: germline. Affected: yes. Observed: 1 variant allele.

Literature cited by the submitters: PubMed 31001817 (cited by Labcorp Genetics (formerly Invitae), Labcorp); PubMed 16786515 (cited by Labcorp Genetics (formerly Invitae), Labcorp); PubMed 17855059 (cited by Biomedical Innovation Departament, CIEMAT).